The following is an entry in ClinVar:

NM_020806.5(GPHN):c.1469T>G (p.Ile490Ser)

Gene: GPHN (gephyrin; plus strand). Cytogenetic location: 14q23.3.
Variant type: single nucleotide variant.
Coding change: c.1469T>G on transcript NM_020806.5 (MANE Select); coding-DNA position 1469, T replaced by G.
Protein change: p.Ile490Ser; replaces isoleucine 490 with serine.
Molecular consequence: missense variant.
Genome position (GRCh38, 1-based): chr14:67,111,916, T>G. VCF-style: chr14-67111916-T-G. GRCh37 (hg19) VCF-style: chr14-67578633-T-G.
Other names: c.1370T>G, p.Ile457Ser (NM_001024218.2); c.1529T>G, p.Ile510Ser (NM_001377514.1); c.1499T>G, p.Ile500Ser (NM_001377515.1); c.1490T>G, p.Ile497Ser (NM_001377516.1); c.1442T>G, p.Ile481Ser (NM_001377517.1); c.1427T>G, p.Ile476Ser (NM_001377518.1); c.1409T>G, p.Ile470Ser (NM_001377519.1); short protein forms I481S, I457S, I476S, I490S, I497S, I470S, I500S, I510S.
Identifiers: ClinVar variation 2749660 (VCV002749660.3), dbSNP rs2543395251, ClinGen allele CA390258358.

ClinVar aggregate classification (germline): Uncertain significance (1 of 4 stars; one submission).

Conditions:
Sulfite oxidase deficiency due to molybdenum cofactor deficiency type C. Also called: Molybdenum cofactor deficiency, complementation group C; Molybdenum cofactor deficiency C. Identifiers: Orphanet 308400, Orphanet 833, MedGen C1854990, MONDO:0014212, OMIM 615501.

Submission:

Labcorp Genetics (formerly Invitae), Labcorp
Classification: Uncertain significance for Sulfite oxidase deficiency due to molybdenum cofactor deficiency type C. Last evaluated: 2023-08-03. Review status: criteria provided, single submitter. Criteria: Invitae Variant Classification Sherloc (09022015). Collection method: clinical testing. Allele origin: germline.
Comment: This variant has not been reported in the literature in individuals affected with GPHN-related conditions. This sequence change replaces isoleucine, which is neutral and non-polar, with serine, which is neutral and polar, at codon 490 of the GPHN protein (p.Ile490Ser). This variant is not present in population databases (gnomAD no frequency). Advanced modeling of protein sequence and biophysical properties (such as structural, functional, and spatial information, amino acid conservation, physicochemical variation, residue mobility, and thermodynamic stability) performed at Invitae indicates that this missense variant is expected to disrupt GPHN protein function. In summary, the available evidence is currently insufficient to determine the role of this variant in disease. Therefore, it has been classified as a Variant of Uncertain Significance.